The following is an entry in ClinVar:

ClinVar aggregate classification (germline): Uncertain significance (1 of 4 stars; one submission).

Conditions:
Inborn genetic diseases. Identifiers: MedGen C0950123, MeSH D030342.

Submission:

Ambry Genetics
Classification: Uncertain significance for Inborn genetic diseases. Last evaluated: 2022-03-12. Review status: criteria provided, single submitter. Criteria: Ambry Variant Classification Scheme 2023. Collection method: clinical testing. Allele origin: germline.
Comment: The p.A537D variant (also known as c.1610C>A), located in coding exon 17 of the ERCC2 gene, results from a C to A substitution at nucleotide position 1610. The alanine at codon 537 is replaced by aspartic acid, an amino acid with dissimilar properties. This amino acid position is conserved. In addition, this alteration is predicted to be deleterious by in silico analysis. Since supporting evidence is limited at this time, the clinical significance of this alteration remains unclear.

NM_000400.4(ERCC2):c.1610C>A (p.Ala537Asp)

Gene: ERCC2 (ERCC excision repair 2, TFIIH core complex helicase subunit; minus strand). Cytogenetic location: 19q13.32.
Variant type: single nucleotide variant.
Coding change: c.1610C>A on transcript NM_000400.4 (MANE Select); coding-DNA position 1610, C replaced by A.
Protein change: p.Ala537Asp; replaces alanine 537 with aspartic acid.
Molecular consequence: missense variant.
Genome position (GRCh38, 1-based): chr19:45,354,785, G>T on the plus strand (C>A on the coding strand, the complement: ERCC2 is on the minus strand). VCF-style: chr19-45354785-G-T. GRCh37 (hg19) VCF-style: chr19-45858043-G-T.
Other names: short protein forms A537D.
Identifiers: ClinVar variation 1776378 (VCV001776378.2), dbSNP rs761322666, ClinGen allele CA406365370.